The following is an entry in ClinVar:

ClinVar aggregate classification (germline): Uncertain significance (1 of 4 stars; one submission).

Submission:

Labcorp Genetics (formerly Invitae), Labcorp
Classification: Uncertain significance. Last evaluated: 2024-02-08. Review status: criteria provided, single submitter. Criteria: Invitae Variant Classification Sherloc (09022015). Collection method: clinical testing. Allele origin: germline.
Comment: This sequence change affects codon 180 of the MOCS3 mRNA. It is a 'silent' change, meaning that it does not change the encoded amino acid sequence of the MOCS3 protein. This variant is present in population databases (no rsID available, gnomAD 0.009%). This variant has not been reported in the literature in individuals affected with MOCS3-related conditions. In summary, the available evidence is currently insufficient to determine the role of this variant in disease. Therefore, it has been classified as a Variant of Uncertain Significance.

NM_014484.5(MOCS3):c.540G>T (p.Ser180=)

Gene: MOCS3 (molybdenum cofactor synthesis 3; plus strand). Cytogenetic location: 20q13.13.
Variant type: single nucleotide variant.
Coding change: c.540G>T on transcript NM_014484.5 (MANE Select); coding-DNA position 540, G replaced by T.
Protein change: p.Ser180=; no amino-acid change (serine 180 retained).
Molecular consequence: synonymous variant.
Genome position (GRCh38, 1-based): chr20:50,959,382, G>T. VCF-style: chr20-50959382-G-T. GRCh37 (hg19) VCF-style: chr20-49575919-G-T.
Identifiers: ClinVar variation 3677847 (VCV003677847.2).
Genomic context (GRCh38, chr20:50,959,382, plus strand): 5'-CCTTACGCCAGCCACTGCCCTAGACCTGGTCCGCCGATATGATGTGGTGGCTGACTGCTC[G>T]GACAACGTGCCCACTCGCTACCTGGTTAATGACGCATGTGTGCTGGCGGGTCGGCCCCTC-3'
Protein context (NP_055299.1, residues 170-190): VRRYDVVADC[Ser180=]DNVPTRYLVN